The following is an entry in ClinVar:

ClinVar aggregate classification (germline): Uncertain significance. Review status: criteria provided, multiple submitters, no conflicts (2 of 4 stars). 2 submissions from 2 submitters: Uncertain significance (2). Last evaluated 2020-05-05.

Conditions:
Inborn genetic diseases. Identifiers: MedGen C0950123, MeSH D030342.
Epidermolysis bullosa simplex 3, localized or generalized intermediate, with BP230 deficiency (EBS3). Also called: Epidermolysis bullosa simplex, autosomal recessive 2; Epidermolysis bullosa simplex due to BP230 deficiency. Identifiers: Orphanet 412181, MedGen C3809470, MONDO:0014180, OMIM 615425.
Hereditary sensory and autonomic neuropathy type 6. Also called: Neuropathy, hereditary sensory and autonomic, type VI; HSAN VI. Identifiers: Orphanet 314381, MedGen C3539003, MONDO:0013839, OMIM 614653.

Allele frequency attached by ClinVar (database versions not stated): ExAC 0.00001; gnomAD exomes 0.00002 and 0.00003; TOPMed 0.00002.
gnomAD v4.1: 9 of 1,611,202 alleles (0.00056%); highest among the groups gnomAD compares: Admixed American, 0.015%; no homozygotes.

Submissions (2):

Labcorp Genetics (formerly Invitae), Labcorp
Classification: Uncertain significance for Epidermolysis bullosa simplex 3, localized or generalized intermediate, with BP230 deficiency; Hereditary sensory and autonomic neuropathy type 6. Last evaluated: 2020-05-05. Review status: criteria provided, single submitter. Criteria: Invitae Variant Classification Sherloc (09022015). Collection method: clinical testing. Allele origin: germline.
Comment: This sequence change replaces glutamine with histidine at codon 3644 of the DST protein (p.Gln3644His). The glutamine residue is weakly conserved and there is a small physicochemical difference between the two amino acids. The DST gene has multiple clinically relevant transcripts. This variant occurs in alternate transcript NM_015548.4, and corresponds to NM_001723.5:c.*105664G>T in the primary transcript. This variant is present in population databases (rs778466743, ExAC 0.009%). This variant has not been reported in the literature in individuals with DST-related conditions. Experimental studies and prediction algorithms are not available or were not evaluated, and the functional significance of this variant is currently unknown. In summary, the available evidence is currently insufficient to determine the role of this variant in disease. Therefore, it has been classified as a Variant of Uncertain Significance.

Ambry Genetics
Classification: Uncertain significance for Inborn genetic diseases. Last evaluated: 2019-11-05. Review status: criteria provided, single submitter. Criteria: Ambry Variant Classification Scheme 2023. Collection method: clinical testing. Allele origin: germline.
Comment: The p.Q4148H variant (also known as c.12444G>T), located in coding exon 68 of the DST gene, results from a G to T substitution at nucleotide position 12444. The glutamine at codon 4148 is replaced by histidine, an amino acid with highly similar properties. This amino acid position is not well conserved in available vertebrate species. In addition, this alteration is predicted to be tolerated by in silico analysis. Since supporting evidence is limited at this time, the clinical significance of this alteration remains unclear.

NM_001374736.1(DST):c.18801G>T (p.Gln6267His)

Gene: DST (dystonin; minus strand). Cytogenetic location: 6p12.1.
Variant type: single nucleotide variant.
Coding change: c.18801G>T on transcript NM_001374736.1 (MANE Select); coding-DNA position 18801, G replaced by T.
Protein change: p.Gln6267His; replaces glutamine 6267 with histidine.
Molecular consequence: missense variant.
Genome position (GRCh38, 1-based): chr6:56,509,853, C>A on the plus strand (G>T on the coding strand, the complement: DST is on the minus strand). VCF-style: chr6-56509853-C-A. GRCh37 (hg19) VCF-style: chr6-56374651-C-A.
Other names: c.12444G>T, p.Gln4148His (NM_001144769.5); c.12030G>T, p.Gln4010His (NM_001144770.2); c.18801G>T, p.Gln6267His (NM_001374722.1); c.17841G>T, p.Gln5947His (NM_001374729.1); c.11583G>T, p.Gln3861His (NM_001374730.1); c.18828G>T, p.Gln6276His (NM_001374734.1); c.11910G>T, p.Gln3970His (NM_001386100.1, NM_183380.4); c.10932G>T, p.Gln3644His (NM_015548.5); short protein forms Q5947H, Q6267H, Q6276H, Q3861H, Q4010H, Q4148H, Q3644H, Q3970H.
Identifiers: ClinVar variation 1040609 (VCV001040609.9), dbSNP rs778466743, ClinGen allele CA3867137.